The following is an entry in ClinVar:

NM_000138.5(FBN1):c.5671+773C>G

Gene: FBN1 (fibrillin 1; minus strand). Cytogenetic location: 15q21.1.
Variant type: single nucleotide variant.
Coding change: c.5671+773C>G on transcript NM_000138.5 (MANE Select); 773 bases into the intron after coding-DNA position 5671, C replaced by G.
Molecular consequence: intron variant.
Genome position (GRCh38, 1-based): chr15:48,447,995, G>C on the plus strand (C>G on the coding strand, the complement: FBN1 is on the minus strand). VCF-style: chr15-48447995-G-C. GRCh37 (hg19) VCF-style: chr15-48740192-G-C.
Other names: c.5671+773C>G (NM_001406716.1).
Identifiers: ClinVar variation 3769623 (VCV003769623.1).

ClinVar aggregate classification (germline): Pathogenic (1 of 4 stars; one submission).

Conditions:
Marfan syndrome (MFS). Also called: MARFAN SYNDROME, TYPE I; Marfan syndrome type 1; Marfan's syndrome; Marfan syndrome, classic; FBN1-Related Marfan Syndrome. Identifiers: Orphanet 284963, Orphanet 558, MedGen C0024796, MONDO:0007947, OMIM 154700.

Submission:

Clinical and Biomedical Sciences, University of Exeter
Classification: Pathogenic for Marfan syndrome. Last evaluated: 2025-02-28. Review status: criteria provided, single submitter. Criteria: ACMG Guidelines, 2015. Collection method: research. Allele origin: germline. Affected: yes. Study: 100,000 Genomes Project.
Comment: RT-PCR and Sanger from blood confirm 59bp pseudoexon prediction. Pseudoexon is c.5671+714_5671+772 or r.5671_5672ins59, p.(Asp1891GlufsTer2),.